The following is an entry in ClinVar:

ClinVar aggregate classification (germline): Conflicting classifications of pathogenicity. Review status: criteria provided, conflicting classifications (1 of 4 stars). 5 submissions from 5 submitters: Uncertain significance (4); Likely benign (1). Last evaluated 2025-05-19.

Conditions:
BRCA2-related cancer predisposition. Identifiers: MedGen CN377758, MONDO:0700269.
Hereditary cancer-predisposing syndrome. Also called: Hereditary neoplastic syndrome; Hereditary Cancer Syndrome; Neoplastic Syndromes, Hereditary; Tumor predisposition. Identifiers: Orphanet 140162, MedGen C0027672, MeSH D009386, MONDO:0015356.
Hereditary breast ovarian cancer syndrome. Also called: Hereditary breast and ovarian cancer syndrome; Hereditary breast and ovarian cancer syndrome (HBOC); Breast and ovarian cancer; Hereditary breast and/or ovarian cancer syndrome; Hereditary breast and ovarian cancer; BRCA1- and BRCA2-Associated Hereditary Breast and Ovarian Cancer. Identifiers: Orphanet 145, MedGen C0677776, MeSH D061325, MONDO:0003582. Disease mechanism: loss of function.

Allele frequency attached by ClinVar (database versions not stated): gnomAD exomes below 0.00001.
gnomAD v4.1: 1 of 1,614,240 alleles (0.000062%); highest among the groups gnomAD compares: Non-Finnish European, 0.000085%; no homozygotes.

Submissions (5):

Ambry Genetics
Classification: Likely benign for Hereditary cancer-predisposing syndrome. Last evaluated: 2025-05-19. Review status: criteria provided, single submitter. Criteria: Ambry Variant Classification Scheme 2023. Collection method: clinical testing. Allele origin: germline.

Quest Diagnostics Nichols Institute San Juan Capistrano
Classification: Uncertain significance. Last evaluated: 2025-02-05. Review status: criteria provided, single submitter. Criteria: Quest Diagnostics criteria. Collection method: clinical testing. Allele origin: unknown.
Comment: The BRCA2 c.7912T>C (p.Phe2638Leu) variant has been reported in the published literature in individuals with a personal and/or family history of breast and/or ovarian cancer (PMID: 27062684 (2016), 33606809 (2021)) and thyroid cancer (PMID: 29684080 (2018)). In published large scale functional studies, this variant was not damaging to protein function (PMID: 39779848 (2025), 39779857 (2025)). This variant has not been reported in large, multi-ethnic general populations (Genome Aggregation Database). Analysis of this variant using bioinformatics tools for the prediction of the effect of amino acid changes on protein structure and function yielded predictions that this variant is damaging. Based on the available information, we are unable to determine the clinical significance of this variant.

Department of Pathology and Laboratory Medicine, Sinai Health System
Classification: Uncertain significance for BRCA2-related cancer predisposition. Last evaluated: 2024-07-15. Review status: criteria provided, single submitter. Criteria: ACMG Guidelines, 2015. Collection method: clinical testing. Allele origin: germline.

Labcorp Genetics (formerly Invitae), Labcorp
Classification: Uncertain significance for Hereditary breast ovarian cancer syndrome. Last evaluated: 2023-11-29. Review status: criteria provided, single submitter. Criteria: Invitae Variant Classification Sherloc (09022015). Collection method: clinical testing. Allele origin: germline.
Comment: This sequence change replaces phenylalanine, which is neutral and non-polar, with leucine, which is neutral and non-polar, at codon 2638 of the BRCA2 protein (p.Phe2638Leu). This variant is not present in population databases (gnomAD no frequency). This missense change has been observed in individual(s) with clinical features of hereditary breast and ovarian cancer syndrome (PMID: 27062684). ClinVar contains an entry for this variant (Variation ID: 229803). Advanced modeling of protein sequence and biophysical properties (such as structural, functional, and spatial information, amino acid conservation, physicochemical variation, residue mobility, and thermodynamic stability) performed at Invitae indicates that this missense variant is not expected to disrupt BRCA2 protein function with a negative predictive value of 95%. In summary, the available evidence is currently insufficient to determine the role of this variant in disease. Therefore, it has been classified as a Variant of Uncertain Significance.

Color Diagnostics, LLC DBA Color Health
Classification: Uncertain significance for Hereditary cancer-predisposing syndrome. Last evaluated: 2021-11-23. Review status: criteria provided, single submitter. Criteria: ACMG Guidelines, 2015. Collection method: clinical testing. Allele origin: germline.
Comment: This missense variant replaces phenylalanine with leucine at codon 2638 of the BRCA2 protein. Computational prediction suggests that this variant may have deleterious impact on protein structure and function (internally defined REVEL score threshold >= 0.7, PMID: 27666373). To our knowledge, functional studies have not been reported for this variant. This variant has been reported in a family suspected to be affected with hereditary breast and ovarian cancer that also has a pathogenic covariant (PMID: 27062684). This variant has not been identified in the general population by the Genome Aggregation Database (gnomAD). The available evidence is insufficient to determine the role of this variant in disease conclusively. Therefore, this variant is classified as a Variant of Uncertain Significance.

Literature cited by the submitters: PubMed 27062684 (cited by 5 submitters); PubMed 29684080 (cited by Ambry Genetics and Quest Diagnostics Nichols Institute San Juan Capistrano); PubMed 33606809 (cited by 3 submitters); PubMed 39779848 (cited by Quest Diagnostics Nichols Institute San Juan Capistrano); PubMed 39779857 (cited by Quest Diagnostics Nichols Institute San Juan Capistrano).

NM_000059.4(BRCA2):c.7912T>C (p.Phe2638Leu)

Gene: BRCA2 (BRCA2 DNA repair associated; plus strand). Cytogenetic location: 13q13.1.
Variant type: single nucleotide variant.
Coding change: c.7912T>C on transcript NM_000059.4 (MANE Select); coding-DNA position 7912, T replaced by C.
Protein change: p.Phe2638Leu; replaces phenylalanine 2638 with leucine.
Molecular consequence: missense variant.
Genome position (GRCh38, 1-based): chr13:32,362,629, T>C. VCF-style: chr13-32362629-T-C. GRCh37 (hg19) VCF-style: chr13-32936766-T-C.
Other names: short protein forms F2638L.
Identifiers: ClinVar variation 229803 (VCV000229803.22), dbSNP rs876658206, ClinGen allele CA10579760.
Genomic context (GRCh38, chr13:32,362,629, plus strand): 5'-ATTTGGGTTTATAATCACTATAGATGGATCATATGGAAACTGGCAGCTATGGAATGTGCC[T>C]TTCCTAAGGAATTTGCTAATAGATGCCTAAGCCCAGAAAGGGTGCTTCTTCAACTAAAAT-3'
Protein context (NP_000050.3, residues 2628-2648): IWKLAAMECA[Phe2638Leu]PKEFANRCLS